The following is an entry in ClinVar:

NM_000368.5(TSC1):c.2105_2106insCT (p.Leu702fs)

Gene: TSC1 (TSC complex subunit 1; minus strand). Cytogenetic location: 9q34.13.
Variant type: Insertion.
Coding change: c.2105_2106insCT on transcript NM_000368.5 (MANE Select); coding-DNA positions 2105 to 2106, CT inserted.
Protein change: p.Leu702fs; shifts the reading frame from leucine 702.
Molecular consequence: frameshift variant.
Genome position: GRCh38 VCF-style: chr9-132903753-T-TAG. GRCh37 (hg19) VCF-style: chr9-135779140-T-TAG.
Other names: c.2102_2103insCT, p.Leu701fs (NM_001162426.2); c.1952_1953insCT, p.Leu651fs (NM_001162427.2); c.1742_1743insCT, p.Leu581fs (NM_001362177.2); short protein forms L651fs, L702fs, L581fs, L701fs.
Identifiers: ClinVar variation 570719 (VCV000570719.6), dbSNP rs1564478705, ClinGen allele CA891843353.

ClinVar aggregate classification (germline): Pathogenic (1 of 4 stars; one submission).

Conditions:
Tuberous sclerosis 1 (TSC1). Identifiers: Orphanet 805, MedGen C1854465, MONDO:0008612, OMIM 191100.

Submission:

Labcorp Genetics (formerly Invitae), Labcorp
Classification: Pathogenic for Tuberous sclerosis 1. Last evaluated: 2018-05-22. Review status: criteria provided, single submitter. Criteria: Invitae Variant Classification Sherloc (09022015). Collection method: clinical testing. Allele origin: germline.
Comment: For these reasons, this variant has been classified as Pathogenic. Loss-of-function variants in TSC1 are known to be pathogenic (PMID: 10227394, 17304050). This variant has not been reported in the literature in individuals with TSC1-related disease. This variant is not present in population databases (ExAC no frequency). This sequence change creates a premature translational stop signal (p.Leu702Phefs*23) in the TSC1 gene. It is expected to result in an absent or disrupted protein product.

Literature cited by the submitters: PubMed 10227394; PubMed 17304050.